The following is an entry in ClinVar:

NM_000899.5(KITLG):c.406A>G (p.Thr136Ala)

Gene: KITLG (KIT ligand; minus strand). Cytogenetic location: 12q21.32.
Variant type: single nucleotide variant.
Coding change: c.406A>G on transcript NM_000899.5 (MANE Select); coding-DNA position 406, A replaced by G.
Protein change: p.Thr136Ala; replaces threonine 136 with alanine.
Molecular consequence: missense variant.
Genome position (GRCh38, 1-based): chr12:88,516,448, T>C on the plus strand (A>G on the coding strand, the complement: KITLG is on the minus strand). VCF-style: chr12-88516448-T-C. GRCh37 (hg19) VCF-style: chr12-88910225-T-C.
Other names: c.406A>G, p.Thr136Ala (NM_003994.6); short protein forms T136A.
Identifiers: ClinVar variation 3573609 (VCV003573609.1).

ClinVar aggregate classification (germline): Uncertain significance (1 of 4 stars; one submission).

gnomAD v4.1: 2 of 1,607,354 alleles (0.00012%); highest among the groups gnomAD compares: South Asian, 0.0011%; no homozygotes.

Submission:

GeneDx
Classification: Uncertain significance. Last evaluated: 2024-07-16. Review status: criteria provided, single submitter. Criteria: GeneDx Variant Classification Process June 2021. Collection method: clinical testing. Allele origin: germline. Affected: yes.
Comment: Not observed at significant frequency in large population cohorts (gnomAD); In silico analysis indicates that this missense variant does not alter protein structure/function; Has not been previously published as pathogenic or benign to our knowledge